The following is an entry in ClinVar:

NM_001101362.3(KBTBD13):c.1114C>T (p.Leu372Phe)

Gene: KBTBD13 (kelch repeat and BTB domain containing 13; plus strand). Cytogenetic location: 15q22.31.
Variant type: single nucleotide variant.
Coding change: c.1114C>T on transcript NM_001101362.3 (MANE Select); coding-DNA position 1114, C replaced by T.
Protein change: p.Leu372Phe; replaces leucine 372 with phenylalanine.
Molecular consequence: missense variant.
Genome position (GRCh38, 1-based): chr15:65,077,929, C>T. VCF-style: chr15-65077929-C-T. GRCh37 (hg19) VCF-style: chr15-65370267-C-T.
Other names: short protein forms L372F.
Identifiers: ClinVar variation 4723787 (VCV004723787.1).
Genomic context (GRCh38, chr15:65,077,929, plus strand): 5'-AGCCTCTATGTGGTGCGCAACGGACCTTCCGACGACTTCCTGCACTGCGCCATCGACTGT[C>T]TCAACCTGGCCACGGGCCAGTGGACGGCGCTGCCCGGCCAGTTCGTCAACAGCAAGGGAG-3'
Protein context (NP_001094832.1, residues 362-382): DDFLHCAIDC[Leu372Phe]NLATGQWTAL

ClinVar aggregate classification (germline): Uncertain significance (1 of 4 stars; one submission).

Conditions:
Nemaline myopathy 6 (NEM6). Also called: Nemaline myopathy 6, autosomal dominant. Identifiers: Orphanet 171439, MedGen C1836472, MONDO:0012237, OMIM 609273.

Submission:

Labcorp Genetics (formerly Invitae), Labcorp
Classification: Uncertain significance for Nemaline myopathy 6. Last evaluated: 2025-07-27. Review status: criteria provided, single submitter. Criteria: Invitae Variant Classification Sherloc (09022015). Collection method: clinical testing. Allele origin: germline.
Comment: This sequence change replaces leucine, which is neutral and non-polar, with phenylalanine, which is neutral and non-polar, at codon 372 of the KBTBD13 protein (p.Leu372Phe). This variant is not present in population databases (gnomAD no frequency). This variant has not been reported in the literature in individuals affected with KBTBD13-related conditions. An algorithm developed to predict the effect of missense changes on protein structure and function outputs the following: PolyPhen-2: "Benign". The phenylalanine amino acid residue is found in multiple mammalian species, which suggests that this missense change does not adversely affect protein function. In summary, the available evidence is currently insufficient to determine the role of this variant in disease. Therefore, it has been classified as a Variant of Uncertain Significance.